The following is an entry in ClinVar:

NM_000297.4(PKD2):c.1548+9G>C

Gene: PKD2 (polycystin 2, transient receptor potential cation channel; plus strand). Cytogenetic location: 4q22.1.
Variant type: single nucleotide variant.
Coding change: c.1548+9G>C on transcript NM_000297.4 (MANE Select); 9 bases into the intron after coding-DNA position 1548, G replaced by C.
Molecular consequence: intron variant.
Genome position (GRCh38, 1-based): chr4:88,046,879, G>C. VCF-style: chr4-88046879-G-C. GRCh37 (hg19) VCF-style: chr4-88968031-G-C.
Identifiers: ClinVar variation 255789 (VCV000255789.19), dbSNP rs376901684, ClinGen allele CA3003967.

ClinVar aggregate classification (germline): Benign/Likely benign. Review status: criteria provided, multiple submitters, no conflicts (2 of 4 stars). 5 submissions from 5 submitters: Benign (2); Likely benign (2). 1 of the submissions does not count toward it. Last evaluated 2025-12-21.

Conditions:
Autosomal dominant polycystic kidney disease. Identifiers: Orphanet 730, MedGen C0085413, MONDO:0004691.
Polycystic kidney disease 2 (PKD2). Also called: Polycystic Kidney Disease 2, Autosomal Dominant; POLYCYSTIC KIDNEY DISEASE, ADULT, TYPE II; POLYCYSTIC KIDNEY DISEASE 2 WITH OR WITHOUT POLYCYSTIC LIVER DISEASE. Identifiers: MedGen C2751306, MONDO:0013131, OMIM 613095.
Polycystic kidney disease. Also called: Polycystic kidney dysplasia; Kidney, Polycystic. Identifiers: MedGen C0022680, MeSH D007690, MONDO:0020642, HP:0000113.

Allele frequency attached by ClinVar (database versions not stated): gnomAD 0.00001 and 0.00081; TOPMed 0.00020; gnomAD exomes 0.00143 and 0.00276; ExAC 0.00304; 1000 Genomes Project 0.00559; 1000 Genomes Project 30x 0.00562.

Submissions (5):

Labcorp Genetics (formerly Invitae), Labcorp
Classification: Benign for Autosomal dominant polycystic kidney disease. Last evaluated: 2025-12-21. Review status: criteria provided, single submitter. Criteria: Invitae Variant Classification Sherloc (09022015). Collection method: clinical testing. Allele origin: germline.

Blueprint Genetics
Classification: Likely benign. Last evaluated: 2024-10-22. Review status: criteria provided, single submitter. Criteria: ACMG Guidelines, 2015. Collection method: clinical testing. Allele origin: germline.

Illumina Laboratory Services, Illumina
Classification: Likely benign for Polycystic kidney disease 2. Last evaluated: 2018-01-12. Review status: criteria provided, single submitter. Criteria: ICSL Variant Classification Criteria 13 December 2019. Collection method: clinical testing. Allele origin: germline.
Comment: This variant was observed in the ICSL laboratory as part of a predisposition screen in an ostensibly healthy population. It had not been previously curated by ICSL or reported in the Human Gene Mutation Database (HGMD: prior to June 1st, 2018), and was therefore a candidate for classification through an automated scoring system. Utilizing variant allele frequency, disease prevalence and penetrance estimates, and inheritance mode, an automated score was calculated to assess if this variant is too frequent to cause the disease. Based on the score and internal cut-off values, a variant classified as likely benign is not then subjected to further curation. The score for this variant resulted in a classification of likely benign for this disease.

PreventionGenetics, part of Exact Sciences
Classification: Benign. Review status: criteria provided, single submitter. Criteria: ACMG Guidelines, 2015. Collection method: clinical testing. Allele origin: germline.

Department of Pathology and Laboratory Medicine, Sinai Health System
Classification: Benign for Polycystic Kidney disease. Review status: no assertion criteria provided. Collection method: clinical testing. Allele origin: unknown. Affected: yes. Study: The Canadian Open Genetics Repository (COGR). Not counted in ClinVar's aggregate classification.
Comment: The PKD2 c.1548+9G>C variant was not identified in the literature nor was it identified in the COGR, LOVD 3.0, ADPKD Mutation Database, or the PKD1-LOVD database. The variant was also identified in dbSNP (ID: rs376901684) as "With Likely benign allele ", and in ClinVar database (classified as benign by Prevention Genetics). The variant was identified in control databases in 693 of 245836 chromosomes (12 homozygous) at a frequency of 0.003 increasing the likelihood this could be a low frequency benign variant (Genome Aggregation Database Feb 27, 2017). The variant was observed in the following populations: Other in 6 of 5472 chromosomes (freq: 0.001), Latino in 1 of 33568 chromosomes (freq: 0.00003), European Non-Finnish in 1 of 111352 chromosomes (freq: 0.000009), East Asian in 1 of 17230 chromosomes (freq: 0.00006), and South Asian in 684 of 30780 chromosomes (freq: 0.02); it was not observed in the African, Ashkenazi Jewish, European Finnish, populations. The variant occurs outside of the splicing consensus sequence and 3 of 4 in silico or computational prediction software programs (SpliceSiteFinder, MaxEntScan, NNSPLICE, GeneSplicer) predict a greater than 10% difference in splicing. However, this information is not predictive enough to assume pathogenicity. In summary, based on the above information this variant meets our laboratory criteria to be classified as benign.